The following is an entry in ClinVar:

NM_031483.7(ITCH):c.131A>G (p.Glu44Gly)

Gene: ITCH (itchy E3 ubiquitin protein ligase; plus strand). Cytogenetic location: 20q11.22.
Variant type: single nucleotide variant.
Coding change: c.131A>G on transcript NM_031483.7 (MANE Select); coding-DNA position 131, A replaced by G.
Protein change: p.Glu44Gly; replaces glutamic acid 44 with glycine.
Molecular consequence: missense variant. On other transcripts: intron variant (1).
Genome position (GRCh38, 1-based): chr20:34,408,711, A>G. VCF-style: chr20-34408711-A-G. GRCh37 (hg19) VCF-style: chr20-32996517-A-G.
Other names: c.131A>G, p.Glu44Gly (NM_001257137.3, NM_001324197.2, NM_001324198.2); c.-118-3804A>G (NM_001257138.3); short protein forms E44G.
Identifiers: ClinVar variation 377245 (VCV000377245.3), dbSNP rs1057520172, ClinGen allele CA16603315.
Genomic context (GRCh38, chr20:34,408,711, plus strand): 5'-TCATCTCAGCAAAACTTAAGGAAAATAAGAAGAATTGGTTTGGACCAAGTCCTTACGTAG[A>G]GGTCACAGTAGATGGACAGTCAAAGAAGACAGAAAAATGCAACAACACAAACAGTCCCAA-3'
Protein context (NP_113671.3, residues 34-54): KNWFGPSPYV[Glu44Gly]VTVDGQSKKT

ClinVar aggregate classification (germline): Uncertain significance (1 of 4 stars; one submission).

Submission:

Center for Pediatric Genomic Medicine, Children's Mercy Hospital and Clinics
Classification: Uncertain significance. Last evaluated: 2016-07-12. Review status: criteria provided, single submitter. Criteria: ACMG Guidelines, 2015. Collection method: clinical testing. Allele origin: germline.
ClinVar note: Converted during submission from Uncertain Significance to Uncertain significance.